The following is an entry in ClinVar:

ClinVar aggregate classification (germline): Uncertain significance (1 of 4 stars; one submission).

Conditions:
Cystinuria (CSNU). Also called: CYSTINURIA, TYPE I; CYSTINURIA, TYPE II; CYSTINURIA, TYPE III; Cystinuria, non-type I. Identifiers: Orphanet 214, MedGen C0010691, MONDO:0009067, OMIM 220100, HP:0003131.

Submission:

Neuberg Centre For Genomic Medicine, NCGM
Classification: Uncertain significance for Cystinuria. Review status: criteria provided, single submitter. Criteria: ACMG Guidelines, 2015. Collection method: clinical testing. Allele origin: germline. Inheritance: Autosomal recessive inheritance. Affected: yes.
Comment: The observed splice region variant c.1074+5G>C in SLC7A9 gene has not been reported previously as a pathogenic variant nor as a benign variant, to our knowledge. The c.1074+5G>C variant is absent in gnomAD Exomes database. This variant has not been submitted to the ClinVar database. SpliceAI predicts a donor loss of 0.60 for this variant. A variant [c.1074+2T>C] in the nearby residue has previously been reported to affect splicing in an individual with cystinuria (Gaildrat et al. 2017). However, additional functional studies will be required to prove the pathogenicity of this variant and hence, it has been classified as a Variant of Uncertain Significance (VUS).

NM_014270.5(SLC7A9):c.1074+5G>C

Gene: SLC7A9 (solute carrier family 7 member 9; minus strand). Cytogenetic location: 19q13.11.
Variant type: single nucleotide variant.
Coding change: c.1074+5G>C on transcript NM_014270.5 (MANE Select); 5 bases into the intron after coding-DNA position 1074, G replaced by C.
Molecular consequence: intron variant.
Genome position (GRCh38, 1-based): chr19:32,843,850, C>G on the plus strand (G>C on the coding strand, the complement: SLC7A9 is on the minus strand). VCF-style: chr19-32843850-C-G. GRCh37 (hg19) VCF-style: chr19-33334756-C-G.
Other names: c.1074+5G>C (NM_001126335.2, NM_001243036.2).
Identifiers: ClinVar variation 3250412 (VCV003250412.1), dbSNP rs1159806875.